The following is an entry in ClinVar:

ClinVar aggregate classification (germline): Uncertain significance. Review status: criteria provided, multiple submitters, no conflicts (2 of 4 stars). 2 submissions from 2 submitters: Uncertain significance (2). Last evaluated 2025-05-08.

Allele frequency attached by ClinVar (database versions not stated): gnomAD exomes 0.00002 and 0.00006; 1000 Genomes Project 0.00020; 1000 Genomes Project 30x 0.00031; ExAC 0.00009; ESP Exome Variant Server 0.00015; TOPMed 0.00012; gnomAD 0.00017.
gnomAD v4.1: 63 of 1,614,162 alleles (0.0039%); highest among the groups gnomAD compares: African/African-American, 0.052%; 1 homozygote.

Submissions (2):

Labcorp Genetics (formerly Invitae), Labcorp
Classification: Uncertain significance. Last evaluated: 2025-05-08. Review status: criteria provided, single submitter. Criteria: Invitae Variant Classification Sherloc (09022015). Collection method: clinical testing. Allele origin: germline.
Comment: This sequence change replaces threonine, which is neutral and polar, with methionine, which is neutral and non-polar, at codon 732 of the DHX32 protein (p.Thr732Met). This variant is present in population databases (rs138878584, gnomAD 0.06%), and has an allele count higher than expected for a pathogenic variant. This variant has not been reported in the literature in individuals affected with DHX32-related conditions. ClinVar contains an entry for this variant (Variation ID: 1407993). An algorithm developed to predict the effect of missense changes on protein structure and function (PolyPhen-2) suggests that this variant is likely to be tolerated. In summary, the available evidence is currently insufficient to determine the role of this variant in disease. Therefore, it has been classified as a Variant of Uncertain Significance.

Ambry Genetics
Classification: Uncertain significance. Last evaluated: 2024-12-03. Review status: criteria provided, single submitter. Criteria: Ambry Variant Classification Scheme 2023. Collection method: clinical testing. Allele origin: germline.

NM_018180.3(DHX32):c.2195C>T (p.Thr732Met)

Genes: BCCIP (BRCA2 and CDKN1A interacting protein; plus strand), DHX32 (DEAH-box helicase 32 (putative); minus strand). Cytogenetic location: 10q26.2.
Variant type: single nucleotide variant.
Coding change: c.2195C>T on transcript NM_018180.3 (MANE Select); coding-DNA position 2195, C replaced by T.
Protein change: p.Thr732Met; replaces threonine 732 with methionine.
Molecular consequence: missense variant. On other transcripts: intron variant (2).
Genome position (GRCh38, 1-based): chr10:125,836,724, G>A on the plus strand (C>T on the coding strand, the complement: DHX32 is on the minus strand). VCF-style: chr10-125836724-G-A. GRCh37 (hg19) VCF-style: chr10-127525293-G-A.
Other names: c.774+2778G>A (NM_016567.4, NM_078469.3); short protein forms T732M.
Identifiers: ClinVar variation 1407993 (VCV001407993.7), dbSNP rs138878584, ClinGen allele CA5738938.
Genomic context (GRCh38, chr10:125,836,724, plus strand): 5'-TGCACCTTGTGTTTGCTGGGGAGTCACTGGAGAGTGCATCTCTGTTCAGTTTCAGGGCAC[G>A]TCTCACACATTTGCTGTTCCTTATTCATTGTTGACACAGGGGATAGGTGATCCACTACTT-3'
Protein context (NP_060650.2, residues 722-742): TMNKEQQMCE[Thr732Met]CPETEQRCTL